The following is an entry in ClinVar:

NM_015046.7(SETX):c.5816A>G (p.Lys1939Arg)

Gene: SETX (senataxin; minus strand). Cytogenetic location: 9q34.13.
Variant type: single nucleotide variant.
Coding change: c.5816A>G on transcript NM_015046.7 (MANE Select); coding-DNA position 5816, A replaced by G.
Protein change: p.Lys1939Arg; replaces lysine 1939 with arginine.
Molecular consequence: missense variant.
Genome position (GRCh38, 1-based): chr9:132,297,020, T>C on the plus strand (A>G on the coding strand, the complement: SETX is on the minus strand). VCF-style: chr9-132297020-T-C. GRCh37 (hg19) VCF-style: chr9-135172407-T-C.
Other names: c.5816A>G, p.Lys1939Arg (NM_001351527.2, NM_001351528.2); short protein forms K1939R.
Identifiers: ClinVar variation 4864359 (VCV004864359.1).
Genomic context (GRCh38, chr9:132,297,020, plus strand): 5'-CAGATTTTGGCAACTGATGGTGAGTGTTTCACCATAGCATATGCAGTTTCTATTGCTTTC[T>C]TTTGATCTTCATTGAAATCTCTTAAGTACGCAATCTATATAAAAAACACATTTTTGAGAA-3'
Protein context (NP_055861.3, residues 1929-1949): AYLRDFNEDQ[Lys1939Arg]KAIETAYAMV

ClinVar aggregate classification (germline): Uncertain significance (1 of 4 stars; one submission).

Conditions:
Inborn genetic diseases. Identifiers: MedGen C0950123, MeSH D030342.

gnomAD v4.1: 1 of 1,613,904 alleles (0.000062%); highest among the groups gnomAD compares: Admixed American, 0.0017%; no homozygotes.

Submission:

Ambry Genetics
Classification: Uncertain significance for Inborn genetic diseases. Last evaluated: 2026-05-06. Review status: criteria provided, single submitter. Criteria: Ambry Variant Classification Scheme 2023. Collection method: clinical testing. Allele origin: germline.
Comment: The c.5816A>G (p.K1939R) alteration is located in exon 14 (coding exon 12) of the SETX gene. This alteration results from a A to G substitution at nucleotide position 5816, causing the lysine (K) at amino acid position 1939 to be replaced by an arginine (R). Based on data from gnomAD, the G allele has an overall frequency of <0.001% (1/250824) total alleles studied. The highest observed frequency was 0.003% (1/34514) of Latino alleles. Based on insufficient or conflicting evidence, the clinical significance of this alteration remains unclear.